The following is an entry in ClinVar:

NM_003072.5(SMARCA4):c.3873+5G>C

Gene: SMARCA4 (SWI/SNF related, matrix associated, actin dependent regulator of chromatin, subfamily a, member 4; plus strand). Cytogenetic location: 19p13.2.
Variant type: single nucleotide variant.
Coding change: c.3873+5G>C on transcript NM_003072.5 (MANE Select); 5 bases into the intron after coding-DNA position 3873, G replaced by C.
Molecular consequence: intron variant.
Genome position (GRCh38, 1-based): chr19:11,033,870, G>C. VCF-style: chr19-11033870-G-C. GRCh37 (hg19) VCF-style: chr19-11144546-G-C.
Other names: c.3873+5G>C (NM_001128844.3, NM_001128849.3, NM_001387283.1); c.3775-253G>C (NM_001128847.4, NM_001374457.1, NM_001128845.2 and 2 more transcripts).
Identifiers: ClinVar variation 387936 (VCV000387936.2), dbSNP rs1057522951, ClinGen allele CA16607999.
Genomic context (GRCh38, chr19:11,033,870, plus strand): 5'-ACACTGCCCCTCCGCCAGCGGGCGTCAACCCCGACTTGGAGGAGCCACCTCTAAAGGTGA[G>C]AGGGGTAGTTCAGTCTCCATGCCCATTCAATCCTCGGCTTCTCGGCTGAGACGGCCAGCA-3'

ClinVar aggregate classification (germline): Uncertain significance (1 of 4 stars; one submission).

Submission:

GeneDx
Classification: Uncertain significance. Last evaluated: 2016-07-28. Review status: criteria provided, single submitter. Criteria: GeneDx Variant Classification (06012015). Collection method: clinical testing. Allele origin: germline. Affected: yes.
Comment: The c.3873+5G>C variant in the SMARCA4 gene has not been reported previously as a pathogenic variant nor as a benign variant, to our knowledge. This splice site variant reduces the quality of the splice donor site in intron 27. It is predicted to cause abnormal gene splicing resulting in an in-frame protein product with an abnormal message. However, in the absence of RNA/functional studies, the actual effect of c.3873+5G>C is unknown. The c.3873+5G>C variant was not observed in approximately 6,500 individuals of European and African American ancestry in the NHLBI Exome Sequencing Project, indicating it is not a common benign variant in these populations. We interpret c.3873+5G>C as a variant of uncertain significance, which may be related to the intellectual disability, autism spectrum disorder, behavior problems, and microcephaly.